The following is an entry in ClinVar:

ClinVar aggregate classification (germline): Benign (1 of 4 stars; one submission).

Conditions:
Glycogen storage disease, type II (IOPD). Also called: Pompe Disease; CARDIOMEGALIA GLYCOGENICA DIFFUSA; GLYCOGENOSIS, GENERALIZED, CARDIAC FORM; GSD II; POMPE DISEASE, INFANTILE-ONSET; GLYCOGEN STORAGE DISEASE II, INFANTILE-ONSET. Identifiers: Orphanet 365, MedGen C0017921, MONDO:0009290, OMIM 232300.

Submission:

Genomenon, Inc
Classification: Benign for Glycogen storage disease, type II. Last evaluated: 2026-07-01. Review status: criteria provided, single submitter. Criteria: Genomenon Sequence Variant Interpretation Standards - Updated. Collection method: curation. Allele origin: germline. Affected: no.
Comment: GAA c.2189+616T>C is an intronic variant located in intron 15. This variant is present at high allele frequency in population databases. We classify GAA c.2189+616T>C as a benign variant.

NM_000152.5(GAA):c.2189+616T>C

Gene: GAA (alpha glucosidase; plus strand). Cytogenetic location: 17q25.3.
Variant type: single nucleotide variant.
Coding change: c.2189+616T>C on transcript NM_000152.5 (MANE Select); 616 bases into the intron after coding-DNA position 2189, T replaced by C.
Molecular consequence: intron variant.
Genome position (GRCh38, 1-based): chr17:80,113,982, T>C. VCF-style: chr17-80113982-T-C. GRCh37 (hg19) VCF-style: chr17-78087781-T-C.
Other names: c.2189+616T>C (NM_001406741.1, NM_001406742.1, NM_001079803.3 and 1 more transcripts).
Identifiers: ClinVar variation 4876365 (VCV004876365.1).
Genomic context (GRCh38, chr17:80,113,982, plus strand): 5'-GCCAGAGAATCCCTTGAACCTGGGAGGAGGAGATTGCAGTGAGCCGAGATCGCGCCACTG[T>C]ACTCCAGCCTGTGTGACTCCATCTCAAAAAAAAAAAACCAAGCTGTGAAAGACTCCACAG-3'